The following is an entry in ClinVar:

ClinVar aggregate classification (germline): Uncertain significance. Review status: criteria provided, multiple submitters, no conflicts (2 of 4 stars). 3 submissions from 3 submitters: Uncertain significance (3). Last evaluated 2025-09-01.

Conditions:
Granulomatous disease, chronic, autosomal recessive, cytochrome b-positive, type 3. Also called: GRANULOMATOUS DISEASE, CHRONIC, AUTOSOMAL RECESSIVE, 3; CGD, AUTOSOMAL RECESSIVE CYTOCHROME b-POSITIVE, TYPE III; GRANULOMATOUS DISEASE, CHRONIC, DUE TO NCF4 DEFICIENCY; Granulomatous disease, chronic, autosomal recessive, cytochrome b-positive, type III. Identifiers: Orphanet 379, MedGen C3151409, MONDO:0013507, OMIM 613960.

Allele frequency attached by ClinVar (database versions not stated): gnomAD exomes 0.00007; ExAC 0.00010; 1000 Genomes Project 0.00060; ESP Exome Variant Server 0.00015; gnomAD 0.00025; TOPMed 0.00035; 1000 Genomes Project 30x 0.00047.
gnomAD v4.1: 87 of 1,613,534 alleles (0.0054%); highest among the groups gnomAD compares: African/African-American, 0.099%; no homozygotes.

Submissions (3):

Ambry Genetics
Classification: Uncertain significance. Last evaluated: 2025-09-01. Review status: criteria provided, single submitter. Criteria: Ambry Variant Classification Scheme 2023. Collection method: clinical testing. Allele origin: germline.

Labcorp Genetics (formerly Invitae), Labcorp
Classification: Uncertain significance for Granulomatous disease, chronic, autosomal recessive, cytochrome b-positive, type 3. Last evaluated: 2022-08-19. Review status: criteria provided, single submitter. Criteria: Invitae Variant Classification Sherloc (09022015). Collection method: clinical testing. Allele origin: germline.
Comment: This sequence change replaces proline, which is neutral and non-polar, with threonine, which is neutral and polar, at codon 333 of the NCF4 protein (p.Pro333Thr). This variant is present in population databases (rs146292447, gnomAD 0.08%). This variant has not been reported in the literature in individuals affected with NCF4-related conditions. ClinVar contains an entry for this variant (Variation ID: 968988). Algorithms developed to predict the effect of missense changes on protein structure and function are either unavailable or do not agree on the potential impact of this missense change (SIFT: "Tolerated"; PolyPhen-2: "Possibly Damaging"; Align-GVGD: "Class C0"). Algorithms developed to predict the effect of sequence changes on RNA splicing suggest that this variant may disrupt the consensus splice site. In summary, the available evidence is currently insufficient to determine the role of this variant in disease. Therefore, it has been classified as a Variant of Uncertain Significance.

Mayo Clinic Laboratories, Mayo Clinic
Classification: Uncertain significance. Last evaluated: 2022-05-25. Review status: criteria provided, single submitter. Criteria: ACMG Guidelines, 2015. Collection method: clinical testing. Allele origin: germline. Observed: 1 variant allele.
Comment: BP4

NM_000631.5(NCF4):c.759-7C>A

Gene: NCF4 (neutrophil cytosolic factor 4; plus strand). Cytogenetic location: 22q12.3.
Variant type: single nucleotide variant.
Coding change: c.759-7C>A on transcript NM_000631.5 (MANE Select); 7 bases into the intron before coding-DNA position 759, C replaced by A.
Molecular consequence: intron variant. On other transcripts: missense variant (1).
Genome position (GRCh38, 1-based): chr22:36,876,022, C>A. VCF-style: chr22-36876022-C-A. GRCh37 (hg19) VCF-style: chr22-37272064-C-A.
Other names: p.Pro333Thr; c.997C>A, p.Pro333Thr (NM_013416.4); short protein forms P333T.
Identifiers: ClinVar variation 968988 (VCV000968988.7), dbSNP rs146292447, ClinGen allele CA10213204.